The following is an entry in ClinVar:

ClinVar aggregate classification (germline): Uncertain significance (1 of 4 stars; one submission).

Conditions:
PLXNA1-related disorder. Also called: PLXNA1-related condition.

gnomAD v4.1: 25 of 1,607,110 alleles (0.0016%); highest among the groups gnomAD compares: African/African-American, 0.0081%; no homozygotes.

Submission:

PreventionGenetics, part of Exact Sciences
Classification: Uncertain significance for PLXNA1-related condition. Last evaluated: 2025-09-16. Review status: criteria provided, single submitter. Criteria: ACMG Guidelines, 2015. Collection method: clinical testing. Allele origin: germline.
Comment: The PLXNA1 c.2984C>T variant is predicted to result in the amino acid substitution p.Ser995Leu. To our knowledge, this variant has not been reported in the literature. This variant is reported in 0.012% of alleles in individuals of African descent in gnomAD. At this time, the clinical significance of this variant is uncertain due to the absence of conclusive functional and genetic evidence.

NM_032242.4(PLXNA1):c.2984C>T (p.Ser995Leu)

Genes: PLXNA1 (plexin A1; plus strand), LOC129937476 (ATAC-STARR-seq lymphoblastoid active region 20450; plus strand). Cytogenetic location: 3q21.3.
Variant type: single nucleotide variant.
Coding change: c.2984C>T on transcript NM_032242.4 (MANE Select); coding-DNA position 2984, C replaced by T.
Protein change: p.Ser995Leu; replaces serine 995 with leucine.
Molecular consequence: missense variant.
Genome position (GRCh38, 1-based): chr3:127,015,290, C>T. VCF-style: chr3-127015290-C-T. GRCh37 (hg19) VCF-style: chr3-126734133-C-T.
Other names: short protein forms S995L.
Identifiers: ClinVar variation 4984932 (VCV004984932.1).